The following is an entry in ClinVar:

ClinVar aggregate classification (germline): Pathogenic/Likely pathogenic. Review status: criteria provided, multiple submitters, no conflicts (2 of 4 stars). 3 submissions from 3 submitters: Pathogenic (2); Likely pathogenic (1). Last evaluated 2025-01-02.

Conditions:
Landau-Kleffner syndrome (FESD). Also called: EPILEPSY, FOCAL, WITH SPEECH DISORDER AND WITH OR WITHOUT MENTAL RETARDATION; APHASIA, ACQUIRED, WITH EPILEPSY. Identifiers: Orphanet 1945, Orphanet 725, Orphanet 98818, MedGen C0282512, MONDO:0009509, OMIM 245570.

Submissions (3):

GeneDx
Classification: Pathogenic. Last evaluated: 2025-01-02. Review status: criteria provided, single submitter. Criteria: GeneDx Variant Classification Process June 2021. Collection method: clinical testing. Allele origin: germline. Affected: yes.
Comment: De novo variant in a patient with autism reported in the published literature (PMID: 35982159); Not observed in large population cohorts (gnomAD); In silico analysis supports that this missense variant has a deleterious effect on protein structure/function; This variant is associated with the following publications: (PMID: 27839871, 35982159)

Labcorp Genetics (formerly Invitae), Labcorp
Classification: Pathogenic for Landau-Kleffner syndrome. Last evaluated: 2024-10-31. Review status: criteria provided, single submitter. Criteria: Invitae Variant Classification Sherloc (09022015). Collection method: clinical testing. Allele origin: germline.
Comment: This sequence change replaces serine, which is neutral and polar, with leucine, which is neutral and non-polar, at codon 511 of the GRIN2A protein (p.Ser511Leu). This variant is not present in population databases (gnomAD no frequency). This missense change has been observed in individual(s) with GRIN2A-related conditions (internal data). In at least one individual the variant was observed to be de novo. ClinVar contains an entry for this variant (Variation ID: 80290). Invitae Evidence Modeling of protein sequence and biophysical properties (such as structural, functional, and spatial information, amino acid conservation, physicochemical variation, residue mobility, and thermodynamic stability) indicates that this missense variant is expected to disrupt GRIN2A protein function with a positive predictive value of 95%. For these reasons, this variant has been classified as Pathogenic.

Center for Human Genetics and Genomic Medicine, Uniklinik Rwth Aachen
Classification: Likely pathogenic for Landau-Kleffner syndrome. Last evaluated: 2023-08-28. Review status: criteria provided, single submitter. Criteria: ACMG Guidelines, 2015. Collection method: clinical testing. Allele origin: de novo. Inheritance: Autosomal dominant inheritance. Affected: yes. Observed: 1 heterozygote.

NM_001134407.3(GRIN2A):c.1532C>T (p.Ser511Leu)

Gene: GRIN2A (glutamate ionotropic receptor NMDA type subunit 2A; minus strand). Cytogenetic location: 16p13.2.
Variant type: single nucleotide variant.
Coding change: c.1532C>T on transcript NM_001134407.3 (MANE Select); coding-DNA position 1532, C replaced by T.
Protein change: p.Ser511Leu; replaces serine 511 with leucine.
Molecular consequence: missense variant.
Genome position (GRCh38, 1-based): chr16:9,840,766, G>A on the plus strand (C>T on the coding strand, the complement: GRIN2A is on the minus strand). VCF-style: chr16-9840766-G-A. GRCh37 (hg19) VCF-style: chr16-9934623-G-A.
Other names: c.1532C>T, p.Ser511Leu (NM_000833.5, NM_001134408.2); short protein forms S511L.
Identifiers: ClinVar variation 80290 (VCV000080290.11), dbSNP rs267604688, ClinGen allele CA278181465.